The following is an entry in ClinVar:

ClinVar aggregate classification (germline): Uncertain significance (1 of 4 stars; one submission).

gnomAD v4.1: 178 of 1,614,208 alleles (0.011%); highest among the groups gnomAD compares: Middle Eastern, 0.016%; no homozygotes.

Submission:

GeneDx
Classification: Uncertain significance. Last evaluated: 2026-08-24. Review status: criteria provided, single submitter. Criteria: GeneDx Variant Classification Process June 2021. Collection method: clinical testing. Allele origin: germline.
Comment: Reported as a single heterozygous variant in a proband with history of four unruptured intracranial aneurysms, but no further clinical information or familial segregation information was provided (PMID: 32367296); In silico analysis suggests that this missense variant does not alter protein structure/function; This variant is associated with the following publications: (PMID: 32367296)

NM_018676.4(THSD1):c.592C>G (p.Gln198Glu)

Gene: THSD1 (thrombospondin type 1 domain containing 1; minus strand). Cytogenetic location: 13q14.3.
Variant type: single nucleotide variant.
Coding change: c.592C>G on transcript NM_018676.4 (MANE Select); coding-DNA position 592, C replaced by G.
Protein change: p.Gln198Glu; replaces glutamine 198 with glutamic acid.
Molecular consequence: missense variant.
Genome position (GRCh38, 1-based): chr13:52,397,661, G>C on the plus strand (C>G on the coding strand, the complement: THSD1 is on the minus strand). VCF-style: chr13-52397661-G-C. GRCh37 (hg19) VCF-style: chr13-52971796-G-C.
Other names: c.592C>G, p.Gln198Glu (NM_199263.3); short protein forms Q198E.
Identifiers: ClinVar variation 4532343 (VCV004532343.2).